The following is an entry in ClinVar:

NM_147127.5(EVC2):c.445C>T (p.Arg149Cys)

Gene: EVC2 (EvC ciliary complex subunit 2; minus strand). Cytogenetic location: 4p16.2.
Variant type: single nucleotide variant.
Coding change: c.445C>T on transcript NM_147127.5 (MANE Select); coding-DNA position 445, C replaced by T.
Protein change: p.Arg149Cys; replaces arginine 149 with cysteine.
Molecular consequence: missense variant.
Genome position (GRCh38, 1-based): chr4:5,694,340, G>A on the plus strand (C>T on the coding strand, the complement: EVC2 is on the minus strand). VCF-style: chr4-5694340-G-A. GRCh37 (hg19) VCF-style: chr4-5696067-G-A.
Other names: c.205C>T, p.Arg69Cys (NM_001166136.2); c.445C>T (NM_147127.4); short protein forms R149C, R69C.
Identifiers: ClinVar variation 2187784 (VCV002187784.3), dbSNP rs148388393, ClinGen allele CA2835467.

ClinVar aggregate classification (germline): Uncertain significance. Review status: criteria provided, multiple submitters, no conflicts (2 of 4 stars). 2 submissions from 2 submitters: Uncertain significance (2). Last evaluated 2025-04-07.

Conditions:
Inborn genetic diseases. Identifiers: MedGen C0950123, MeSH D030342.
Ellis-van Creveld syndrome (EVC). Also called: EVC-Related Ellis-van Creveld Syndrome; EVC2-Related Ellis-van Creveld Syndrome; Chondroectodermal dysplasia; MESOECTODERMAL DYSPLASIA. Identifiers: Orphanet 289, MedGen C0013903, MONDO:0009162, OMIM 225500.
Curry-Hall syndrome (WAD). Also called: WEYERS ACRODENTAL DYSOSTOSIS. Identifiers: Orphanet 952, MedGen C0457013, MONDO:0008673, OMIM 193530.

Allele frequency attached by ClinVar (database versions not stated): gnomAD 0.00001; ExAC 0.00002; gnomAD exomes 0.00002; ESP Exome Variant Server 0.00008.
gnomAD v4.1: 36 of 1,613,774 alleles (0.0022%); highest among the groups gnomAD compares: Non-Finnish European, 0.0026%; 1 homozygote.

Submissions (2):

Labcorp Genetics (formerly Invitae), Labcorp
Classification: Uncertain significance for Curry-Hall syndrome; Ellis-van Creveld syndrome. Last evaluated: 2025-04-07. Review status: criteria provided, single submitter. Criteria: Invitae Variant Classification Sherloc (09022015). Collection method: clinical testing. Allele origin: germline.
Comment: This sequence change replaces arginine, which is basic and polar, with cysteine, which is neutral and slightly polar, at codon 149 of the EVC2 protein (p.Arg149Cys). This variant is present in population databases (rs148388393, gnomAD 0.004%). This variant has not been reported in the literature in individuals affected with EVC2-related conditions. ClinVar contains an entry for this variant (Variation ID: 2187784). An algorithm developed to predict the effect of missense changes on protein structure and function (PolyPhen-2) suggests that this variant is likely to be tolerated. In summary, the available evidence is currently insufficient to determine the role of this variant in disease. Therefore, it has been classified as a Variant of Uncertain Significance.

Ambry Genetics
Classification: Uncertain significance for Inborn genetic diseases. Last evaluated: 2023-10-24. Review status: criteria provided, single submitter. Criteria: Ambry Variant Classification Scheme 2023. Collection method: clinical testing. Allele origin: germline.